The following is an entry in ClinVar:

NM_001563.4(IMPG1):c.1069A>G (p.Arg357Gly)

Gene: IMPG1 (interphotoreceptor matrix proteoglycan 1; minus strand). Cytogenetic location: 6q14.1.
Variant type: single nucleotide variant.
Coding change: c.1069A>G on transcript NM_001563.4 (MANE Select); coding-DNA position 1069, A replaced by G.
Protein change: p.Arg357Gly; replaces arginine 357 with glycine.
Molecular consequence: missense variant.
Genome position (GRCh38, 1-based): chr6:76,005,353, T>C on the plus strand (A>G on the coding strand, the complement: IMPG1 is on the minus strand). VCF-style: chr6-76005353-T-C. GRCh37 (hg19) VCF-style: chr6-76715070-T-C.
Other names: c.835A>G, p.Arg279Gly (NM_001282368.2); short protein forms R279G, R357G.
Identifiers: ClinVar variation 1503387 (VCV001503387.7), dbSNP rs780185706, ClinGen allele CA3898237.

ClinVar aggregate classification (germline): Uncertain significance. Review status: criteria provided, multiple submitters, no conflicts (2 of 4 stars). 2 submissions from 2 submitters: Uncertain significance (2). Last evaluated 2024-05-08.

Allele frequency attached by ClinVar (database versions not stated): ExAC 0.00001; gnomAD exomes 0.00001; gnomAD 0.00002; TOPMed 0.00002.
gnomAD v4.1: 15 of 1,613,852 alleles (0.00093%); highest among the groups gnomAD compares: Admixed American, 0.0033%; no homozygotes.

Submissions (2):

Blueprint Genetics
Classification: Uncertain significance. Last evaluated: 2024-05-08. Review status: criteria provided, single submitter. Criteria: ACMG Guidelines, 2015. Collection method: clinical testing. Allele origin: germline.

Labcorp Genetics (formerly Invitae), Labcorp
Classification: Uncertain significance. Last evaluated: 2022-04-07. Review status: criteria provided, single submitter. Criteria: Invitae Variant Classification Sherloc (09022015). Collection method: clinical testing. Allele origin: germline.
Comment: This sequence change replaces arginine, which is basic and polar, with glycine, which is neutral and non-polar, at codon 357 of the IMPG1 protein (p.Arg357Gly). In summary, the available evidence is currently insufficient to determine the role of this variant in disease. Therefore, it has been classified as a Variant of Uncertain Significance. Algorithms developed to predict the effect of missense changes on protein structure and function (SIFT, PolyPhen-2, Align-GVGD) all suggest that this variant is likely to be tolerated. This variant has not been reported in the literature in individuals affected with IMPG1-related conditions. The frequency data for this variant in the population databases is considered unreliable, as metrics indicate poor data quality at this position in the gnomAD database.